The following is an entry in ClinVar:

ClinVar aggregate classification (germline): Uncertain significance (1 of 4 stars; one submission).

Submission:

Labcorp Genetics (formerly Invitae), Labcorp
Classification: Uncertain significance. Last evaluated: 2025-12-11. Review status: criteria provided, single submitter. Criteria: Invitae Variant Classification Sherloc (09022015). Collection method: clinical testing. Allele origin: germline.
Comment: This sequence change replaces threonine, which is neutral and polar, with alanine, which is neutral and non-polar, at codon 500 of the TAB2 protein (p.Thr500Ala). This variant is not present in population databases (gnomAD no frequency). This variant has not been reported in the literature in individuals affected with TAB2-related conditions. Invitae Evidence Modeling of protein sequence and biophysical properties (such as structural, functional, and spatial information, amino acid conservation, physicochemical variation, residue mobility, and thermodynamic stability) indicates that this missense variant is not expected to disrupt TAB2 protein function with a negative predictive value of 80%. In summary, the available evidence is currently insufficient to determine the role of this variant in disease. Therefore, it has been classified as a Variant of Uncertain Significance.

NM_001292034.3(TAB2):c.1498A>G (p.Thr500Ala)

Genes: TAB2 (TGF-beta activated kinase 1 (MAP3K7) binding protein 2; plus strand), LOC126859827 (BRD4-independent group 4 enhancer GRCh37_chr6:149699707-149700906; plus strand). Cytogenetic location: 6q25.1.
Variant type: single nucleotide variant.
Coding change: c.1498A>G on transcript NM_001292034.3 (MANE Select); coding-DNA position 1498, A replaced by G.
Protein change: p.Thr500Ala; replaces threonine 500 with alanine.
Molecular consequence: missense variant.
Genome position (GRCh38, 1-based): chr6:149,379,413, A>G. VCF-style: chr6-149379413-A-G. GRCh37 (hg19) VCF-style: chr6-149700549-A-G.
Other names: c.1402A>G, p.Thr468Ala (NM_001292035.3); c.1498A>G, p.Thr500Ala (NM_001369506.1, NM_015093.6); short protein forms T468A, T500A.
Identifiers: ClinVar variation 4742720 (VCV004742720.1).